The following is an entry in ClinVar:

ClinVar aggregate classification (germline): Likely benign. Review status: criteria provided, multiple submitters, no conflicts (2 of 4 stars). 5 submissions from 5 submitters: Likely benign (4). 1 of the submissions does not count toward it. Last evaluated 2025-09-03.

Conditions:
Hereditary cancer-predisposing syndrome. Also called: Hereditary Cancer Syndrome; Hereditary neoplastic syndrome; Neoplastic Syndromes, Hereditary; Tumor predisposition. Identifiers: Orphanet 140162, MedGen C0027672, MeSH D009386, MONDO:0015356.
Hereditary breast ovarian cancer syndrome. Also called: Hereditary breast and ovarian cancer syndrome (HBOC); Breast and ovarian cancer; BRCA1- and BRCA2-Associated Hereditary Breast and Ovarian Cancer; Hereditary breast and/or ovarian cancer syndrome; Hereditary breast and ovarian cancer; Hereditary breast and ovarian cancer syndrome. Identifiers: Orphanet 145, MedGen C0677776, MeSH D061325, MONDO:0003582. Disease mechanism: loss of function.
Malignant tumor of breast. Also called: Malignant breast neoplasm; Cancer breast. Identifiers: MedGen C0006142, MONDO:0007254. Disease mechanism: loss of function.

gnomAD v4.1: 1 of 1,597,122 alleles (0.000063%); highest among the groups gnomAD compares: Middle Eastern, 0.017%; no homozygotes.

Submissions (5):

Quest Diagnostics Nichols Institute San Juan Capistrano
Classification: Likely benign. Last evaluated: 2025-09-03. Review status: criteria provided, single submitter. Criteria: Quest Diagnostics criteria. Collection method: clinical testing. Allele origin: unknown.

Labcorp Genetics (formerly Invitae), Labcorp
Classification: Likely benign for Hereditary breast ovarian cancer syndrome. Last evaluated: 2025-06-24. Review status: criteria provided, single submitter. Criteria: Invitae Variant Classification Sherloc (09022015). Collection method: clinical testing. Allele origin: germline.

Color Diagnostics, LLC DBA Color Health
Classification: Likely benign for Hereditary cancer-predisposing syndrome. Last evaluated: 2017-11-07. Review status: criteria provided, single submitter. Criteria: ACMG Guidelines, 2015. Collection method: clinical testing. Allele origin: germline.

Ambry Genetics
Classification: Likely benign for Hereditary cancer-predisposing syndrome. Last evaluated: 2017-04-12. Review status: criteria provided, single submitter. Criteria: Ambry Variant Classification Scheme 2023. Collection method: clinical testing. Allele origin: germline.

Department of Pathology and Laboratory Medicine, Sinai Health System
Classification: Benign for Malignant tumor of breast. Review status: no assertion criteria provided. Collection method: clinical testing. Allele origin: unknown. Affected: yes. Study: The Canadian Open Genetics Repository (COGR). Not counted in ClinVar's aggregate classification.
Comment: The BRCA2 p.Gly1433Gly variant was not identified in the literature nor was it identified in the dbSNP, NHLBI Exome Sequencing Project (Exome Variant Server), Exome Aggregation Consortium (ExAC) database, HGMD, LOVD, COSMIC, UMD, ClinVar, GeneInsight through the Canadian Open Genetics Repository or BIC databases. The p.Gly1433Gly variant is not expected to have clinical significance because it does not result in a change of amino acid and is not located in a known consensus splice site. In addition, in silico or computational prediction software programs (SpliceSiteFinder, MaxEntScan, NNSPLICE, GeneSplicer, HumanSpliceFinder) do not predict a difference in splicing. In summary, based on the above information, this variant meets our laboratory's criteria to be classified as benign.

NM_000059.4(BRCA2):c.4299G>A (p.Gly1433=)

Gene: BRCA2 (BRCA2 DNA repair associated; plus strand). Cytogenetic location: 13q13.1.
Variant type: single nucleotide variant.
Coding change: c.4299G>A on transcript NM_000059.4 (MANE Select); coding-DNA position 4299, G replaced by A.
Protein change: p.Gly1433=; no amino-acid change (glycine 1433 retained).
Molecular consequence: synonymous variant.
Genome position (GRCh38, 1-based): chr13:32,338,654, G>A. VCF-style: chr13-32338654-G-A. GRCh37 (hg19) VCF-style: chr13-32912791-G-A.
Identifiers: ClinVar variation 433783 (VCV000433783.19), dbSNP rs1555283699, ClinGen allele CA483438163.